The following is an entry in ClinVar:

NM_006516.4(SLC2A1):c.903G>A (p.Ala301=)

Gene: SLC2A1 (solute carrier family 2 member 1; minus strand). Cytogenetic location: 1p34.2.
Variant type: single nucleotide variant.
Coding change: c.903G>A on transcript NM_006516.4 (MANE Select); coding-DNA position 903, G replaced by A.
Protein change: p.Ala301=; no amino-acid change (alanine 301 retained).
Molecular consequence: synonymous variant.
Genome position (GRCh38, 1-based): chr1:42,929,279, C>T on the plus strand (G>A on the coding strand, the complement: SLC2A1 is on the minus strand). VCF-style: chr1-42929279-C-T. GRCh37 (hg19) VCF-style: chr1-43394950-C-T.
Identifiers: ClinVar variation 516467 (VCV000516467.18), dbSNP rs776461617, ClinGen allele CA803404.

ClinVar aggregate classification (germline): Conflicting classifications of pathogenicity. Review status: criteria provided, conflicting classifications (1 of 4 stars). 5 submissions from 5 submitters: Uncertain significance (1); Likely benign (3). 1 of the submissions does not count toward it. Last evaluated 2025-10-24.

Conditions:
SLC2A1-related disorder. Also called: SLC2A1-related condition; SLC2A1-related disorders.
GLUT1 deficiency syndrome 1, autosomal recessive. Identifiers: MedGen C3149117.
Hereditary cryohydrocytosis with reduced stomatin. Also called: Stomatin-deficient cryohydrocytosis with neurologic defects; GLUT1 DEFICIENCY SYNDROME WITH PSEUDOHYPERKALEMIA AND HEMOLYSIS. Identifiers: Orphanet 168577, MedGen C1837206, MONDO:0012143, OMIM 608885.
Encephalopathy due to GLUT1 deficiency. Also called: GLUT1 deficiency syndrome 1, infantile onset, severe; GLUCOSE TRANSPORT DEFECT, BLOOD-BRAIN BARRIER; Glucose transporter protein syndrome; GLUT1 deficiency syndrome 1; De Vivo disease; Classic Glucose Transporter Type 1 Deficiency Syndrome. Identifiers: Orphanet 71277, MedGen C4551966, MONDO:0011724, OMIM 606777.
Childhood onset GLUT1 deficiency syndrome 2. Also called: PAROXYSMAL EXERCISE-INDUCED DYSKINESIA WITH OR WITHOUT EPILEPSY AND/OR HEMOLYTIC ANEMIA; PAROXYSMAL EXERTION-INDUCED DYSTONIA WITH OR WITHOUT EPILEPSY AND/OR HEMOLYTIC ANEMIA; PED WITH OR WITHOUT EPILEPSY AND/OR HEMOLYTIC ANEMIA; Paroxysmal exercise-induced dystonia; GLUT1 deficiency syndrome 2; PxMD-SLC2A1. Identifiers: Orphanet 98811, MedGen C1842534, MONDO:0012805, OMIM 612126.
Dystonia 9 (DYT9). Also called: CHOREOATHETOSIS, KINESIGENIC, WITH EPISODIC ATAXIA AND SPASTICITY. Identifiers: Orphanet 53583, MedGen C1832855, MONDO:0010983, OMIM 601042.
Epilepsy, idiopathic generalized, susceptibility to, 12 (EIG12). Identifiers: MedGen C3553859, MONDO:0013919, OMIM 614847.

Allele frequency attached by ClinVar (database versions not stated): gnomAD 0.00002; gnomAD exomes 0.00002 and 0.00003; ExAC 0.00004; TOPMed 0.00004.
gnomAD v4.1: 41 of 1,613,652 alleles (0.0025%); highest among the groups gnomAD compares: East Asian, 0.013%; no homozygotes.

Submissions (5):

Labcorp Genetics (formerly Invitae), Labcorp
Classification: Likely benign for GLUT1 deficiency syndrome 1, autosomal recessive. Last evaluated: 2025-10-24. Review status: criteria provided, single submitter. Criteria: Invitae Variant Classification Sherloc (09022015). Collection method: clinical testing. Allele origin: germline.

GeneDx
Classification: Likely benign. Last evaluated: 2020-12-15. Review status: criteria provided, single submitter. Criteria: GeneDx Variant Classification Process June 2021. Collection method: clinical testing. Allele origin: germline. Affected: yes.

Blueprint Genetics
Classification: Likely benign. Last evaluated: 2020-01-13. Review status: criteria provided, single submitter. Criteria: ACMG Guidelines, 2015. Collection method: clinical testing. Allele origin: germline.

Center for Genomics, Ann and Robert H. Lurie Children's Hospital of Chicago
Classification: Uncertain significance for Dystonia 9; Encephalopathy due to GLUT1 deficiency; Hereditary cryohydrocytosis with reduced stomatin; Epilepsy, idiopathic generalized, susceptibility to, 12; Childhood onset GLUT1 deficiency syndrome 2. Review status: criteria provided, single submitter. Criteria: ACMG Guidelines, 2015. Collection method: clinical testing. Allele origin: germline.
Comment: SLC2A1 NM_006516 exon 7 p.Ala301Ala (c.903G>A): This variant has not been reported in the literature but is present in 8/33504 Latino individuals in the Genome Aggregation Database. Evolutionary conservation and computational predictive tools for this variant are limited or unavailable. Of note, this variant is a silent variant and does not change the amino acid, reducing the probability that this variant is disease causing. In summary, data on this variant is insufficient for disease classification. Therefore, the clinical significance of this variant is uncertain.

PreventionGenetics, part of Exact Sciences
Classification: Likely benign for SLC2A1-related condition. Last evaluated: 2020-12-28. Review status: no assertion criteria provided. Collection method: clinical testing. Allele origin: germline. Not counted in ClinVar's aggregate classification.
Comment: This variant is classified as likely benign based on ACMG/AMP sequence variant interpretation guidelines (Richards et al. 2015 PMID: 25741868, with internal and published modifications).